The following is an entry in ClinVar:

ClinVar aggregate classification (germline): Likely pathogenic (1 of 4 stars; one submission).

Submission:

Labcorp Genetics (formerly Invitae), Labcorp
Classification: Likely pathogenic. Last evaluated: 2023-05-22. Review status: criteria provided, single submitter. Criteria: Invitae Variant Classification Sherloc (09022015). Collection method: clinical testing. Allele origin: germline.
Comment: In summary, the currently available evidence indicates that the variant is pathogenic, but additional data are needed to prove that conclusively. Therefore, this variant has been classified as Likely Pathogenic. This sequence change replaces glycine, which is neutral and non-polar, with valine, which is neutral and non-polar, at codon 574 of the COL4A1 protein (p.Gly574Val). This variant has not been reported in the literature in individuals affected with COL4A1-related conditions. An algorithm developed to predict the effect of missense changes on protein structure and function (PolyPhen-2) suggests that this variant is likely to be tolerated. This variant disrupts the triple helix domain of COL4A1. Glycine residues within the Gly-Xaa-Yaa repeats of the triple helix domain are required for the structure and stability of fibrillar collagens (PMID: 7695699, 8218237, 19344236). In COL4A1 variants affecting these glycine residues are significantly enriched in individuals with disease (PMID: 9016532, 17078022) compared to the general population (ExAC). This variant is not present in population databases (gnomAD no frequency).

Literature cited by the submitters: PubMed 7695699; PubMed 8218237; PubMed 19344236; PubMed 9016532; PubMed 17078022.

NM_001845.6(COL4A1):c.1721G>T (p.Gly574Val)

Gene: COL4A1 (collagen type IV alpha 1 chain; minus strand). Cytogenetic location: 13q34.
Variant type: single nucleotide variant.
Coding change: c.1721G>T on transcript NM_001845.6 (MANE Select); coding-DNA position 1721, G replaced by T.
Protein change: p.Gly574Val; replaces glycine 574 with valine.
Molecular consequence: missense variant.
Genome position (GRCh38, 1-based): chr13:110,187,145, C>A on the plus strand (G>T on the coding strand, the complement: COL4A1 is on the minus strand). VCF-style: chr13-110187145-C-A. GRCh37 (hg19) VCF-style: chr13-110839492-C-A.
Other names: short protein forms G574V.
Identifiers: ClinVar variation 2858815 (VCV002858815.3), dbSNP rs2501800324, ClinGen allele CA388722859.